The following is an entry in ClinVar:

ClinVar aggregate classification (germline): Uncertain significance (1 of 4 stars; one submission).

Submission:

Labcorp Genetics (formerly Invitae), Labcorp
Classification: Uncertain significance. Last evaluated: 2025-04-18. Review status: criteria provided, single submitter. Criteria: Invitae Variant Classification Sherloc (09022015). Collection method: clinical testing. Allele origin: germline.
Comment: This sequence change replaces aspartic acid, which is acidic and polar, with histidine, which is basic and polar, at codon 247 of the NALCN protein (p.Asp247His). This variant is not present in population databases (gnomAD no frequency). This variant has not been reported in the literature in individuals affected with NALCN-related conditions. Invitae Evidence Modeling of protein sequence and biophysical properties (such as structural, functional, and spatial information, amino acid conservation, physicochemical variation, residue mobility, and thermodynamic stability) indicates that this missense variant is not expected to disrupt NALCN protein function with a negative predictive value of 80%. In summary, the available evidence is currently insufficient to determine the role of this variant in disease. Therefore, it has been classified as a Variant of Uncertain Significance.

NM_052867.4(NALCN):c.739G>C (p.Asp247His)

Gene: NALCN (sodium leak channel, non-selective; minus strand). Cytogenetic location: 13q33.1.
Variant type: single nucleotide variant.
Coding change: c.739G>C on transcript NM_052867.4 (MANE Select); coding-DNA position 739, G replaced by C.
Protein change: p.Asp247His; replaces aspartic acid 247 with histidine.
Molecular consequence: missense variant.
Genome position (GRCh38, 1-based): chr13:101,345,326, C>G on the plus strand (G>C on the coding strand, the complement: NALCN is on the minus strand). VCF-style: chr13-101345326-C-G. GRCh37 (hg19) VCF-style: chr13-101997677-C-G.
Other names: c.739G>C, p.Asp247His (NM_001350748.2, NM_001350749.2, NM_001350750.2 and 1 more transcripts); short protein forms D247H.
Identifiers: ClinVar variation 4759713 (VCV004759713.1).
Genomic context (GRCh38, chr13:101,345,326, plus strand): 5'-CTATCTCATTAAAGCCACTGTAGCCCAGCTCTTGCCTGCTAAGTCCCAGATCTTCAAGGT[C>G]CATGCATTTAAATCCAGGTGGGCACTGGTAGCCTTCTTCTAGCTCTGGTGAGCAGTGTGT-3'
Protein context (NP_443099.1, residues 237-257): YQCPPGFKCM[Asp247His]LEDLGLSRQE